The following is an entry in ClinVar:

ClinVar aggregate classification (germline): Pathogenic (1 of 4 stars; one submission).

Conditions:
BSN-associated seizure disorder.

Submission:

Institute of Human Genetics, University of Leipzig Medical Center
Classification: Pathogenic for BSN-associated seizure disorder. Last evaluated: 2025-08-04. Review status: criteria provided, single submitter. Criteria: ACMG Guidelines, 2015. Collection method: clinical testing. Allele origin: unknown. Inheritance: Autosomal dominant inheritance. Affected: yes.
Comment: Criteria applied: PVS1,PM2

Literature cited by the submitters: PubMed 39990563.

NM_003458.4(BSN):c.5886del (p.Pro1963fs)

Gene: BSN (bassoon presynaptic cytomatrix protein; plus strand). Cytogenetic location: 3p21.31.
Variant type: Deletion.
Coding change: c.5886del on transcript NM_003458.4 (MANE Select); coding-DNA position 5886, one base deleted (G; older notation c.5886delG).
Protein change: p.Pro1963fs; shifts the reading frame from proline 1963.
Molecular consequence: frameshift variant.
Genome position (GRCh38, 1-based): chr3:49,655,442, G deleted; the last of 4 consecutive G bases (chr3:49,655,439-49,655,442); deleting any one gives the same sequence. VCF-style (leftmost placement, unchanged base first): chr3-49655438-TG-T. GRCh37 (hg19) VCF-style: chr3-49692871-TG-T.
Other names: short protein forms P1963fs.
Identifiers: ClinVar variation 4279030 (VCV004279030.1).